The following is an entry in ClinVar:

NM_133259.4(LRPPRC):c.1249G>T (p.Ala417Ser)

Gene: LRPPRC (leucine rich pentatricopeptide repeat containing; minus strand). Cytogenetic location: 2p21.
Variant type: single nucleotide variant.
Coding change: c.1249G>T on transcript NM_133259.4 (MANE Select); coding-DNA position 1249, G replaced by T.
Protein change: p.Ala417Ser; replaces alanine 417 with serine.
Molecular consequence: missense variant.
Genome position (GRCh38, 1-based): chr2:43,973,807, C>A on the plus strand (G>T on the coding strand, the complement: LRPPRC is on the minus strand). VCF-style: chr2-43973807-C-A. GRCh37 (hg19) VCF-style: chr2-44200946-C-A.
Other names: short protein forms A417S.
Identifiers: ClinVar variation 3373579 (VCV003373579.2).
Genomic context (GRCh38, chr2:43,973,807, plus strand): 5'-ACCTCAGCAAAACTTCCTTACTTGGCTTTAACTTTAAGAATGTAGTACCAGTTTTATTGG[C>A]GAGTAAAGCACAATGGAGGGTGAACTGCAGAGGAAAGGAGTGCATCTGGACTTCCTTTAA-3'
Protein context (NP_573566.2, residues 407-427): LQFTLHCALL[Ala417Ser]NKTDLAKALM

ClinVar aggregate classification (germline): Conflicting classifications of pathogenicity. Review status: criteria provided, conflicting classifications (1 of 4 stars). 2 submissions from 2 submitters: Uncertain significance (1); Likely benign (1). Last evaluated 2025-04-09.

Conditions:
Inborn genetic diseases. Identifiers: MedGen C0950123, MeSH D030342.

gnomAD v4.1: 35 of 1,612,856 alleles (0.0022%); highest among the groups gnomAD compares: African/African-American, 0.029%; no homozygotes.

Submissions (2):

Ambry Genetics
Classification: Likely benign for Inborn genetic diseases. Last evaluated: 2025-04-09. Review status: criteria provided, single submitter. Criteria: Ambry Variant Classification Scheme 2023. Collection method: clinical testing. Allele origin: germline.

GeneDx
Classification: Uncertain significance. Last evaluated: 2024-03-05. Review status: criteria provided, single submitter. Criteria: GeneDx Variant Classification Process June 2021. Collection method: clinical testing. Allele origin: germline. Affected: yes.
Comment: In silico analysis supports that this missense variant does not alter protein structure/function; Has not been previously published as pathogenic or benign to our knowledge